The following is an entry in ClinVar:

NM_000369.5(TSHR):c.1463G>A (p.Trp488Ter)

Genes: TSHR (thyroid stimulating hormone receptor; plus strand), TSHR-AS1 (TSHR antisense RNA 1; minus strand). Cytogenetic location: 14q31.1.
Variant type: single nucleotide variant.
Coding change: c.1463G>A on transcript NM_000369.5 (MANE Select); coding-DNA position 1463, G replaced by A.
Protein change: p.Trp488Ter; replaces tryptophan 488 with a stop codon.
Molecular consequence: nonsense.
Genome position (GRCh38, 1-based): chr14:81,143,521, G>A. VCF-style: chr14-81143521-G-A. GRCh37 (hg19) VCF-style: chr14-81609865-G-A.
Other names: short protein forms W488*.
Identifiers: ClinVar variation 2993739 (VCV002993739.3), dbSNP rs779243355, ClinGen allele CA7294457.

ClinVar aggregate classification (germline): Pathogenic (1 of 4 stars; one submission).

Allele frequency attached by ClinVar (database versions not stated): TOPMed below 0.00001; ExAC 0.00001; gnomAD exomes 0.00001.
gnomAD v4.1: 7 of 1,613,612 alleles (0.00043%); highest among the groups gnomAD compares: Non-Finnish European, 0.00059%; no homozygotes.

Submission:

Labcorp Genetics (formerly Invitae), Labcorp
Classification: Pathogenic. Last evaluated: 2023-02-17. Review status: criteria provided, single submitter. Criteria: Invitae Variant Classification Sherloc (09022015). Collection method: clinical testing. Allele origin: germline.
Comment: This sequence change creates a premature translational stop signal (p.Trp488*) in the TSHR gene. While this is not anticipated to result in nonsense mediated decay, it is expected to disrupt the last 277 amino acid(s) of the TSHR protein. The frequency data for this variant in the population databases is considered unreliable, as metrics indicate poor data quality at this position in the gnomAD database. This variant has not been reported in the literature in individuals affected with TSHR-related conditions. This variant disrupts a region of the TSHR protein in which other variant(s) (p.Leu653Val) have been determined to be pathogenic (PMID: 17456567, 19240155). This suggests that this is a clinically significant region of the protein, and that variants that disrupt it are likely to be disease-causing. For these reasons, this variant has been classified as Pathogenic.

Literature cited by the submitters: PubMed 17456567; PubMed 19240155.